The following is an entry in ClinVar:

NM_177531.6(PKHD1L1):c.8005C>T (p.Gln2669Ter)

Gene: PKHD1L1 (PKHD1 like 1; plus strand). Cytogenetic location: 8q23.1.
Variant type: single nucleotide variant.
Coding change: c.8005C>T on transcript NM_177531.6 (MANE Select); coding-DNA position 8005, C replaced by T.
Protein change: p.Gln2669Ter; replaces glutamine 2669 with a stop codon.
Molecular consequence: nonsense.
Genome position (GRCh38, 1-based): chr8:109,464,837, C>T. VCF-style: chr8-109464837-C-T. GRCh37 (hg19) VCF-style: chr8-110477066-C-T.
Other names: short protein forms Q2669*.
Identifiers: ClinVar variation 3352668 (VCV003352668.1).

ClinVar aggregate classification (germline): Likely benign (0 of 4 stars; one submission).

Conditions:
PKHD1L1-related disorder. Also called: PKHD1L1-related condition.

Submission:

PreventionGenetics, part of Exact Sciences
Classification: Likely benign for PKHD1L1-related condition. Last evaluated: 2024-05-10. Review status: no assertion criteria provided. Collection method: clinical testing. Allele origin: germline.
Comment: This variant is classified as likely benign based on ACMG/AMP sequence variant interpretation guidelines (Richards et al. 2015 PMID: 25741868, with internal and published modifications).